The following is an entry in ClinVar:

NM_001199198.3(TBC1D23):c.13G>A (p.Glu5Lys)

Gene: TBC1D23 (TBC1 domain family member 23; plus strand). Cytogenetic location: 3q12.1.
Variant type: single nucleotide variant.
Coding change: c.13G>A on transcript NM_001199198.3 (MANE Select); coding-DNA position 13, G replaced by A.
Protein change: p.Glu5Lys; replaces glutamic acid 5 with lysine.
Molecular consequence: missense variant.
Genome position (GRCh38, 1-based): chr3:100,261,031, G>A. VCF-style: chr3-100261031-G-A. GRCh37 (hg19) VCF-style: chr3-99979875-G-A.
Other names: c.13G>A, p.Glu5Lys (NM_018309.5); c.13G>A (NM_018309.4); short protein forms E5K.
Identifiers: ClinVar variation 2654002 (VCV002654002.25), dbSNP rs1050306822, ClinGen allele CA79616591.
Genomic context (GRCh38, chr3:100,261,031, plus strand): 5'-TCAGCGCCGGATCCACTTTTCGGCAAAGTGACGTGGACGTCAACAGCAATGGCGGAAGGA[G>A]AAGATGTGCCGCCGCTGCCAACGTCGAGCGGCGACGGCTGGTGAGTGAAAGCCGGGGCTA-3'
Protein context (NP_001186127.1, residues 1-15): MAEG[Glu5Lys]DVPPLPTSSG

ClinVar aggregate classification (germline): Uncertain significance. Review status: criteria provided, multiple submitters, no conflicts (2 of 4 stars). 2 submissions from 2 submitters: Uncertain significance (2). Last evaluated 2026-04-08.

Conditions:
TBC1D23-related disorder. Also called: TBC1D23-related condition.

Allele frequency attached by ClinVar (database versions not stated): gnomAD exomes below 0.00001; TOPMed 0.00001; gnomAD 0.00003.
gnomAD v4.1: 6 of 1,613,982 alleles (0.00037%); highest among the groups gnomAD compares: African/African-American, 0.0067%; no homozygotes.

Submissions (2):

PreventionGenetics, part of Exact Sciences
Classification: Uncertain significance for TBC1D23-related condition. Last evaluated: 2026-04-08. Review status: criteria provided, single submitter. Criteria: ACMG Guidelines, 2015. Collection method: clinical testing. Allele origin: germline.
Comment: The TBC1D23 c.13G>A variant is predicted to result in the amino acid substitution p.Glu5Lys. To our knowledge, this variant has not been reported in the literature or in a large population database (gnomAD), indicating this variant is rare. At this time, the clinical significance of this variant is uncertain due to the absence of conclusive functional and genetic evidence.

CeGaT Center for Human Genetics Tuebingen
Classification: Uncertain significance. Last evaluated: 2023-04-01. Review status: criteria provided, single submitter. Criteria: CeGaT Center For Human Genetics Tuebingen Variant Classification Criteria Version 2. Collection method: clinical testing. Allele origin: germline. Affected: yes. Observed: 1 variant allele.